The following is an entry in ClinVar:

ClinVar aggregate classification (germline): Pathogenic (1 of 4 stars; one submission).

Conditions:
Ehlers-Danlos syndrome, dermatosparaxis type. Also called: EDS VIIC; Dermatosparaxis; Ehlers-Danlos syndrome, type VII, autosomal recessive. Identifiers: Orphanet 1901, MedGen C2700425, MONDO:0009161, OMIM 225410.

Submission:

Myriad Genetics, Inc.
Classification: Pathogenic for Ehlers-Danlos syndrome, dermatosparaxis type. Last evaluated: 2024-05-14. Review status: criteria provided, single submitter. Criteria: Myriad Autosomal Dominant, Autosomal Recessive and X-Linked Classification Criteria (2023). Collection method: clinical testing. Allele origin: unknown.
Comment: NM_014244.4(ADAMTS2):c.447_448ins7(P150Yfs*57) is expected to be pathogenic in the context of Ehlers-Danlos syndrome, ADAMTS2-related. This variant is predicted to lead to an abnormal or absent protein product due to the creation of a premature termination codon in ADAMTS2, a gene where loss-of-function variants are known to be pathogenic. Please note: this variant was assessed in the context of healthy population screening.

NM_014244.5(ADAMTS2):c.447_448insTATTGTT (p.Pro150fs)

Gene: ADAMTS2 (ADAM metallopeptidase with thrombospondin type 1 motif 2; minus strand). Cytogenetic location: 5q35.3.
Variant type: Insertion.
Coding change: c.447_448insTATTGTT on transcript NM_014244.5 (MANE Select); coding-DNA positions 447 to 448, TATTGTT inserted.
Protein change: p.Pro150fs; shifts the reading frame from proline 150.
Molecular consequence: frameshift variant.
Genome position: GRCh38 VCF-style: chr5-179343853-G-GAACAATA. GRCh37 (hg19) VCF-style: chr5-178770854-G-GAACAATA.
Other names: c.447_448insTATTGTT, p.Pro150fs (NM_021599.4); short protein forms P150fs.
Identifiers: ClinVar variation 5010450 (VCV005010450.1).